The following is an entry in ClinVar:

ClinVar aggregate classification (germline): Uncertain significance (1 of 4 stars; one submission).

Conditions:
Hereditary cancer-predisposing syndrome. Also called: Neoplastic Syndromes, Hereditary; Tumor predisposition; Hereditary Cancer Syndrome; Hereditary neoplastic syndrome. Identifiers: Orphanet 140162, MedGen C0027672, MeSH D009386, MONDO:0015356.

Allele frequency attached by ClinVar (database versions not stated): gnomAD 0.00001.
gnomAD v4.1: 1 of 1,613,520 alleles (0.000062%); highest among the groups gnomAD compares: Admixed American, 0.0017%; no homozygotes.

Submission:

Ambry Genetics
Classification: Uncertain significance for Hereditary cancer-predisposing syndrome. Last evaluated: 2022-05-02. Review status: criteria provided, single submitter. Criteria: Ambry Variant Classification Scheme 2023. Collection method: clinical testing. Allele origin: germline.
Comment: The p.K1012M variant (also known as c.3035A>T), located in coding exon 19 of the RAD50 gene, results from an A to T substitution at nucleotide position 3035. The lysine at codon 1012 is replaced by methionine, an amino acid with similar properties. This amino acid position is conserved. In addition, the in silico prediction for this alteration is inconclusive. Since supporting evidence is limited at this time, the clinical significance of this alteration remains unclear.

NM_005732.4(RAD50):c.3035A>T (p.Lys1012Met)

Gene: RAD50 (RAD50 double strand break repair protein; plus strand). Cytogenetic location: 5q31.1.
Variant type: single nucleotide variant.
Coding change: c.3035A>T on transcript NM_005732.4 (MANE Select); coding-DNA position 3035, A replaced by T.
Protein change: p.Lys1012Met; replaces lysine 1012 with methionine.
Molecular consequence: missense variant.
Genome position (GRCh38, 1-based): chr5:132,609,395, A>T. VCF-style: chr5-132609395-A-T. GRCh37 (hg19) VCF-style: chr5-131945087-A-T.
Other names: short protein forms K1012M.
Identifiers: ClinVar variation 1799081 (VCV001799081.2), dbSNP rs369638979, ClinGen allele CA360961121.